The following is an entry in ClinVar:

NM_000180.4(GUCY2D):c.1354G>C (p.Asp452His)

Gene: GUCY2D (guanylate cyclase 2D, retinal; plus strand). Cytogenetic location: 17p13.1.
Variant type: single nucleotide variant.
Coding change: c.1354G>C on transcript NM_000180.4 (MANE Select); coding-DNA position 1354, G replaced by C.
Protein change: p.Asp452His; replaces aspartic acid 452 with histidine.
Molecular consequence: missense variant.
Genome position (GRCh38, 1-based): chr17:8,006,690, G>C. VCF-style: chr17-8006690-G-C. GRCh37 (hg19) VCF-style: chr17-7910008-G-C.
Other names: short protein forms D452H.
Identifiers: ClinVar variation 2121152 (VCV002121152.4), dbSNP rs776845104, ClinGen allele CA397948507.

ClinVar aggregate classification (germline): Uncertain significance (1 of 4 stars; one submission).

Conditions:
Leber congenital amaurosis 1 (LCA1). Also called: Congenital absence of the rods and cones; Leber's congenital tapetoretinal degeneration; Leber's congenital tapetoretinal dysplasia; AMAUROSIS CONGENITA OF LEBER I; RETINAL BLINDNESS, CONGENITAL. Identifiers: Orphanet 65, MedGen C2931258, MONDO:0008764, OMIM 204000.
Cone-rod dystrophy 6 (CORD6). Also called: Cone dystrophy progressive; RETINAL CONE DYSTROPHY 2. Identifiers: Orphanet 1872, MedGen C1866293, MONDO:0011143, OMIM 601777.

Submission:

Labcorp Genetics (formerly Invitae), Labcorp
Classification: Uncertain significance for Leber congenital amaurosis 1; Cone-rod dystrophy 6. Last evaluated: 2023-08-17. Review status: criteria provided, single submitter. Criteria: Invitae Variant Classification Sherloc (09022015). Collection method: clinical testing. Allele origin: germline.
Comment: In summary, the available evidence is currently insufficient to determine the role of this variant in disease. Therefore, it has been classified as a Variant of Uncertain Significance. Advanced modeling of protein sequence and biophysical properties (such as structural, functional, and spatial information, amino acid conservation, physicochemical variation, residue mobility, and thermodynamic stability) performed at Invitae indicates that this missense variant is not expected to disrupt GUCY2D protein function. ClinVar contains an entry for this variant (Variation ID: 2121152). This variant has not been reported in the literature in individuals affected with GUCY2D-related conditions. This variant is not present in population databases (gnomAD no frequency). This sequence change replaces aspartic acid, which is acidic and polar, with histidine, which is basic and polar, at codon 452 of the GUCY2D protein (p.Asp452His).